The following is an entry in ClinVar:

NM_001378030.1(CCDC78):c.492C>T (p.Gly164=)

Gene: CCDC78 (coiled-coil domain containing 78; minus strand). Cytogenetic location: 16p13.3.
Variant type: single nucleotide variant.
Coding change: c.492C>T on transcript NM_001378030.1 (MANE Select); coding-DNA position 492, C replaced by T.
Protein change: p.Gly164=; no amino-acid change (glycine 164 retained).
Molecular consequence: synonymous variant. On other transcripts: non-coding transcript variant (5).
Genome position (GRCh38, 1-based): chr16:725,237, G>A on the plus strand (C>T on the coding strand, the complement: CCDC78 is on the minus strand). VCF-style: chr16-725237-G-A. GRCh37 (hg19) VCF-style: chr16-775237-G-A.
Other names: c.492C>T, p.Gly164= (NM_001031737.3, NM_001378031.1); c.39C>T, p.Gly13= (NM_001378033.1).
Identifiers: ClinVar variation 473261 (VCV000473261.42), dbSNP rs144396385, ClinGen allele CA7789575.
Genomic context (GRCh38, chr16:725,237, plus strand): 5'-CCCTAGGCTTGGGGTCTCTGGTGCTGCCCTCTCCCCTGAGCTAGGTGGCTGCACACTCAC[G>A]CCGCTCCCCAGCCTGTGCTGCTCATTCTCGGGGTTCATGGTGTTCTTGGGCTGCACCTGA-3'
Protein context (NP_001364959.1, residues 154-174): PENEQHRLGS[Gly164=]LQGEVKWALE

ClinVar aggregate classification (germline): Benign/Likely benign. Review status: criteria provided, multiple submitters, no conflicts (2 of 4 stars). 4 submissions from 4 submitters: Benign (1); Likely benign (3). Last evaluated 2026-09-01.

Conditions:
Congenital myopathy with internal nuclei and atypical cores. Also called: Myopathy, centronuclear, 4. Identifiers: Orphanet 319160, MedGen C4707232, MONDO:0013890, OMIM 614807.

Allele frequency attached by ClinVar (database versions not stated): gnomAD exomes 0.00038; ExAC 0.00039; gnomAD 0.00041 and 0.00042; TOPMed 0.00047; ESP Exome Variant Server 0.00077.
gnomAD v4.1: 1,290 of 1,608,276 alleles (0.08%); highest among the groups gnomAD compares: Non-Finnish European, 0.1%; no homozygotes.

Submissions (4):

CeGaT Center for Human Genetics Tuebingen
Classification: Likely benign. Last evaluated: 2026-09-01. Review status: criteria provided, single submitter. Criteria: CeGaT Center For Human Genetics Tuebingen Variant Classification Criteria Version 2. Collection method: clinical testing. Allele origin: germline. Affected: yes. Observed: 3 variant alleles.
Comment: CCDC78: BP4, BP7

Labcorp Genetics (formerly Invitae), Labcorp
Classification: Likely benign for Congenital myopathy with internal nuclei and atypical cores. Last evaluated: 2026-02-01. Review status: criteria provided, single submitter. Criteria: Invitae Variant Classification Sherloc (09022015). Collection method: clinical testing. Allele origin: germline.

GeneDx
Classification: Benign. Last evaluated: 2020-01-28. Review status: criteria provided, single submitter. Criteria: GeneDx Variant Classification Process June 2021. Collection method: clinical testing. Allele origin: germline. Affected: yes.

Breakthrough Genomics
Classification: Likely benign. Review status: criteria provided, single submitter. Criteria: ACMG Guidelines, 2015. Collection method: not provided. Allele origin: germline. Inheritance: Autosomal dominant inheritance. Affected: yes.